The following is an entry in ClinVar:

ClinVar aggregate classification (germline): Uncertain significance (1 of 4 stars; one submission).

Submission:

Labcorp Genetics (formerly Invitae), Labcorp
Classification: Uncertain significance. Last evaluated: 2024-09-10. Review status: criteria provided, single submitter. Criteria: Invitae Variant Classification Sherloc (09022015). Collection method: clinical testing. Allele origin: germline.
Comment: This sequence change replaces serine, which is neutral and polar, with leucine, which is neutral and non-polar, at codon 16 of the APOA5 protein (p.Ser16Leu). This variant is not present in population databases (gnomAD no frequency). This variant has not been reported in the literature in individuals affected with APOA5-related conditions. An algorithm developed to predict the effect of missense changes on protein structure and function outputs the following: PolyPhen-2: "Benign". The leucine amino acid residue is found in multiple mammalian species, which suggests that this missense change does not adversely affect protein function. Algorithms developed to predict the effect of sequence changes on RNA splicing suggest that this variant may disrupt the consensus splice site. In summary, the available evidence is currently insufficient to determine the role of this variant in disease. Therefore, it has been classified as a Variant of Uncertain Significance.

NM_001371904.1(APOA5):c.47C>T (p.Ser16Leu)

Genes: APOA5 (apolipoprotein A5; minus strand), LOC108491825 (enhancer-blocking element 11-1-2 overlapping APOA5; plus strand). Cytogenetic location: 11q23.3.
Variant type: single nucleotide variant.
Coding change: c.47C>T on transcript NM_001371904.1 (MANE Select); coding-DNA position 47, C replaced by T.
Protein change: p.Ser16Leu; replaces serine 16 with leucine.
Molecular consequence: missense variant.
Genome position (GRCh38, 1-based): chr11:116,791,814, G>A on the plus strand (C>T on the coding strand, the complement: APOA5 is on the minus strand). VCF-style: chr11-116791814-G-A. GRCh37 (hg19) VCF-style: chr11-116662530-G-A.
Other names: c.47C>T, p.Ser16Leu (NM_001166598.2, NM_052968.5); short protein forms S16L.
Identifiers: ClinVar variation 3682093 (VCV003682093.2).